The following is an entry in ClinVar:

ClinVar aggregate classification (germline): Uncertain significance (1 of 4 stars; one submission).

Conditions:
Developmental and epileptic encephalopathy, 12 (DEE12). Identifiers: MedGen C3150988, MONDO:0013389, OMIM 613722.

gnomAD v4.1: 2 of 1,613,060 alleles (0.00012%); highest among the groups gnomAD compares: Non-Finnish European, 0.00017%; no homozygotes.

Submission:

Labcorp Genetics (formerly Invitae), Labcorp
Classification: Uncertain significance for Developmental and epileptic encephalopathy, 12. Last evaluated: 2025-02-03. Review status: criteria provided, single submitter. Criteria: Invitae Variant Classification Sherloc (09022015). Collection method: clinical testing. Allele origin: germline.
Comment: This sequence change replaces glutamic acid, which is acidic and polar, with aspartic acid, which is acidic and polar, at codon 269 of the PLCB1 protein (p.Glu269Asp). This variant is not present in population databases (gnomAD no frequency). This variant has not been reported in the literature in individuals affected with PLCB1-related conditions. ClinVar contains an entry for this variant (Variation ID: 1521176). Invitae Evidence Modeling of protein sequence and biophysical properties (such as structural, functional, and spatial information, amino acid conservation, physicochemical variation, residue mobility, and thermodynamic stability) indicates that this missense variant is not expected to disrupt PLCB1 protein function with a negative predictive value of 80%. In summary, the available evidence is currently insufficient to determine the role of this variant in disease. Therefore, it has been classified as a Variant of Uncertain Significance.

NM_015192.4(PLCB1):c.807G>T (p.Glu269Asp)

Gene: PLCB1 (phospholipase C beta 1; plus strand). Cytogenetic location: 20p12.3.
Variant type: single nucleotide variant.
Coding change: c.807G>T on transcript NM_015192.4 (MANE Select); coding-DNA position 807, G replaced by T.
Protein change: p.Glu269Asp; replaces glutamic acid 269 with aspartic acid.
Molecular consequence: missense variant.
Genome position (GRCh38, 1-based): chr20:8,658,649, G>T. VCF-style: chr20-8658649-G-T. GRCh37 (hg19) VCF-style: chr20-8639296-G-T.
Other names: c.807G>T, p.Glu269Asp (NM_182734.3); short protein forms E269D.
Identifiers: ClinVar variation 1521176 (VCV001521176.8), dbSNP rs1222914240, ClinGen allele CA408264287.